The following is an entry in ClinVar:

NM_002691.4(POLD1):c.2302G>T (p.Val768Leu)

Gene: POLD1 (DNA polymerase delta 1, catalytic subunit; plus strand). Cytogenetic location: 19q13.33.
Variant type: single nucleotide variant.
Coding change: c.2302G>T on transcript NM_002691.4 (MANE Select); coding-DNA position 2302, G replaced by T.
Protein change: p.Val768Leu; replaces valine 768 with leucine.
Molecular consequence: missense variant. On other transcripts: non-coding transcript variant (1).
Genome position (GRCh38, 1-based): chr19:50,413,793, G>T. VCF-style: chr19-50413793-G-T. GRCh37 (hg19) VCF-style: chr19-50917050-G-T.
Other names: c.2302G>T, p.Val768Leu (NM_001256849.1); c.2380G>T, p.Val794Leu (NM_001308632.1); short protein forms V768L, V794L.
Identifiers: ClinVar variation 1484345 (VCV001484345.8), dbSNP rs2122448270, ClinGen allele CA406984096.

ClinVar aggregate classification (germline): Uncertain significance (1 of 4 stars; one submission).

Conditions:
POLD1-related polyposis and colorectal cancer syndrome (CRCS10). Also called: Colorectal cancer 10; COLORECTAL CANCER, SUSCEPTIBILITY TO, ON CHROMOSOME 19q; Colorectal cancer, susceptibility to, 10. Identifiers: Orphanet 220460, MedGen C2675481, MONDO:0012953, OMIM 612591.

Submission:

Labcorp Genetics (formerly Invitae), Labcorp
Classification: Uncertain significance for POLD1-related polyposis and colorectal cancer syndrome. Last evaluated: 2021-07-11. Review status: criteria provided, single submitter. Criteria: Invitae Variant Classification Sherloc (09022015). Collection method: clinical testing. Allele origin: germline.
Comment: This sequence change replaces valine with leucine at codon 768 of the POLD1 protein (p.Val768Leu). The valine residue is moderately conserved and there is a small physicochemical difference between valine and leucine. This variant is not present in population databases (ExAC no frequency). This variant has not been reported in the literature in individuals affected with POLD1-related conditions. Algorithms developed to predict the effect of missense changes on protein structure and function (SIFT, PolyPhen-2, Align-GVGD) all suggest that this variant is likely to be tolerated. In summary, the available evidence is currently insufficient to determine the role of this variant in disease. Therefore, it has been classified as a Variant of Uncertain Significance.